The following is an entry in ClinVar:

ClinVar aggregate classification (germline): Pathogenic (1 of 4 stars; one submission).

Conditions:
Hereditary nonpolyposis colorectal neoplasms. Identifiers: MedGen C0009405, MeSH D003123.

Submission:

Labcorp Genetics (formerly Invitae), Labcorp
Classification: Pathogenic for Hereditary nonpolyposis colorectal neoplasms. Last evaluated: 2020-12-09. Review status: criteria provided, single submitter. Criteria: Invitae Variant Classification Sherloc (09022015). Collection method: clinical testing. Allele origin: unknown.
Comment: For these reasons, this variant has been classified as Pathogenic. Similar deletions that encompass the entire coding sequence of MSH6 have been observed in individuals with clinical features of Lynch syndrome (PMID: 28135145, 24323032). This variant results in the deletion of exons 1-9 and part of exon 10 (c.-83247_4018del) of the MSH6 gene. It is expected to result in an absent or disrupted protein product. Loss-of-function variants in MSH6 are known to be pathogenic (PMID: 18269114, 24362816).

Literature cited by the submitters: PubMed 28135145; PubMed 24323032; PubMed 18269114; PubMed 24362816.

NC_000002.11:g.(?_47927125)_(48033933_?)del

Gene: MSH6 (mutS homolog 6; plus strand). Cytogenetic location: 2p16.3.
Variant type: Deletion.
Identifiers: ClinVar variation 3247070 (VCV003247070.1).